The following is an entry in ClinVar:

ClinVar aggregate classification (germline): Uncertain significance. Review status: criteria provided, multiple submitters, no conflicts (2 of 4 stars). 2 submissions from 2 submitters: Uncertain significance (2). Last evaluated 2025-01-26.

Conditions:
Inborn genetic diseases. Identifiers: MedGen C0950123, MeSH D030342.

Submissions (2):

Ambry Genetics
Classification: Uncertain significance for Inborn genetic diseases. Last evaluated: 2025-01-26. Review status: criteria provided, single submitter. Criteria: Ambry Variant Classification Scheme 2023. Collection method: clinical testing. Allele origin: germline.

Labcorp Genetics (formerly Invitae), Labcorp
Classification: Uncertain significance. Last evaluated: 2022-06-14. Review status: criteria provided, single submitter. Criteria: Invitae Variant Classification Sherloc (09022015). Collection method: clinical testing. Allele origin: germline.
Comment: This sequence change replaces histidine, which is basic and polar, with proline, which is neutral and non-polar, at codon 288 of the PHYH protein (p.His288Pro). This variant is not present in population databases (gnomAD no frequency). This variant has not been reported in the literature in individuals affected with PHYH-related conditions. Algorithms developed to predict the effect of missense changes on protein structure and function are either unavailable or do not agree on the potential impact of this missense change (SIFT: "Deleterious"; PolyPhen-2: "Benign"; Align-GVGD: "Class C0"). In summary, the available evidence is currently insufficient to determine the role of this variant in disease. Therefore, it has been classified as a Variant of Uncertain Significance.

NM_006214.4(PHYH):c.863A>C (p.His288Pro)

Gene: PHYH (phytanoyl-CoA 2-hydroxylase; minus strand). Cytogenetic location: 10p13.
Variant type: single nucleotide variant.
Coding change: c.863A>C on transcript NM_006214.4 (MANE Select); coding-DNA position 863, A replaced by C.
Protein change: p.His288Pro; replaces histidine 288 with proline.
Molecular consequence: missense variant.
Genome position (GRCh38, 1-based): chr10:13,281,076, T>G on the plus strand (A>C on the coding strand, the complement: PHYH is on the minus strand). VCF-style: chr10-13281076-T-G. GRCh37 (hg19) VCF-style: chr10-13323076-T-G.
Other names: c.563A>C, p.His188Pro (NM_001037537.2, NM_001323080.2); c.869A>C, p.His290Pro (NM_001323082.2); c.599A>C, p.His200Pro (NM_001323083.2); c.569A>C, p.His190Pro (NM_001323084.2); c.863A>C (NM_006214.3); short protein forms H188P, H288P, H290P, H190P, H200P.
Identifiers: ClinVar variation 2006208 (VCV002006208.2), dbSNP rs2538629706, ClinGen allele CA376051535.